The following is an entry in ClinVar:

ClinVar aggregate classification (germline): Uncertain significance. Review status: criteria provided, multiple submitters, no conflicts (2 of 4 stars). 10 submissions from 9 submitters: Uncertain significance (10). Last evaluated 2026-09-01.

Conditions:
Schwartz-Jampel syndrome. Also called: Myotonic myopathy dwarfism chondrodystrophy and ocular and facial abnormalities. Identifiers: Orphanet 800, MedGen C0036391, MONDO:0009717.
Chromosome 1p36 deletion syndrome (1p36). Also called: 1p36.33 deletion; 1p36 microdeletion syndrome; Monosomy 1p36 syndrome. Identifiers: Orphanet 1606, MedGen C1842870, MeSH C535362, MONDO:0011929, OMIM 607872.
Inborn genetic diseases. Identifiers: MedGen C0950123, MeSH D030342.
Lethal Kniest-like syndrome (DDSH). Also called: Dyssegmental Dysplasia. Identifiers: Orphanet 1865, MedGen C1857100, MONDO:0009140, OMIM 224410.

Allele frequency attached by ClinVar (database versions not stated): 1000 Genomes Project 30x 0.00016; ExAC 0.00022; gnomAD exomes 0.00023 and 0.00045; TOPMed 0.00025; gnomAD 0.00031; ESP Exome Variant Server 0.00046.
gnomAD v4.1: 723 of 1,613,472 alleles (0.045%); highest among the groups gnomAD compares: Middle Eastern, 0.18%; no homozygotes.

Submissions (10):

CeGaT Center for Human Genetics Tuebingen
Classification: Uncertain significance. Last evaluated: 2026-09-01. Review status: criteria provided, single submitter. Criteria: CeGaT Center For Human Genetics Tuebingen Variant Classification Criteria Version 2. Collection method: clinical testing. Allele origin: germline. Affected: yes. Observed: 2 variant alleles.
Comment: HSPG2: PM2

Athena Diagnostics
Classification: Uncertain significance. Last evaluated: 2024-12-17. Review status: criteria provided, single submitter. Criteria: Athena Diagnostics Criteria. Collection method: clinical testing. Allele origin: unknown.
Comment: Available data are insufficient to determine the clinical significance of the variant at this time. The frequency of this variant in the general population is uninformative in assessment of its pathogenicity. Polyphen and MutationTaster predict this amino acid change may be benign.

Department of Pathology and Laboratory Medicine, Sinai Health System
Classification: Uncertain significance for Chromosome 1p36 deletion syndrome; Schwartz-Jampel syndrome. Last evaluated: 2023-05-08. Review status: criteria provided, single submitter. Criteria: ACMG Guidelines, 2015. Collection method: research. Allele origin: germline.

Labcorp Genetics (formerly Invitae), Labcorp
Classification: Uncertain significance. Last evaluated: 2022-08-22. Review status: criteria provided, single submitter. Criteria: Invitae Variant Classification Sherloc (09022015). Collection method: clinical testing. Allele origin: germline.
Comment: This sequence change replaces glutamic acid, which is acidic and polar, with lysine, which is basic and polar, at codon 113 of the HSPG2 protein (p.Glu113Lys). This variant is present in population databases (rs144511257, gnomAD 0.04%). This variant has not been reported in the literature in individuals affected with HSPG2-related conditions. ClinVar contains an entry for this variant (Variation ID: 875052). Algorithms developed to predict the effect of missense changes on protein structure and function (SIFT, PolyPhen-2, Align-GVGD) all suggest that this variant is likely to be tolerated. In summary, the available evidence is currently insufficient to determine the role of this variant in disease. Therefore, it has been classified as a Variant of Uncertain Significance.

Ambry Genetics
Classification: Uncertain significance for Inborn genetic diseases. Last evaluated: 2022-06-27. Review status: criteria provided, single submitter. Criteria: Ambry Variant Classification Scheme 2023. Collection method: clinical testing. Allele origin: germline.

GeneDx
Classification: Uncertain significance. Last evaluated: 2022-04-30. Review status: criteria provided, single submitter. Criteria: GeneDx Variant Classification Process June 2021. Collection method: clinical testing. Allele origin: germline. Affected: yes.
Comment: In silico analysis, which includes protein predictors and evolutionary conservation, supports a deleterious effect; Functional studies in patient cultured fibroblasts showed that mRNA expression of HSPG2 was not significantly reduced, however, membrane bound protein expression was decreased compared to control (Davids et al., 2019); This variant is associated with the following publications: (PMID: 30362252)

Revvity Omics, Revvity
Classification: Uncertain significance. Last evaluated: 2019-07-18. Review status: criteria provided, single submitter. Criteria: ACMG Guidelines, 2015. Collection method: clinical testing. Allele origin: germline.

Illumina Laboratory Services, Illumina
Classification: Uncertain significance for Lethal Kniest-like syndrome. Last evaluated: 2018-01-13. Review status: criteria provided, single submitter. Criteria: ICSL Variant Classification Criteria 13 December 2019. Collection method: clinical testing. Allele origin: germline.

Illumina Laboratory Services, Illumina
Classification: Uncertain significance for Schwartz-Jampel syndrome type 1. Last evaluated: 2018-01-13. Review status: criteria provided, single submitter. Criteria: ICSL Variant Classification Criteria 13 December 2019. Collection method: clinical testing. Allele origin: germline.

Breakthrough Genomics
Classification: Uncertain significance. Review status: criteria provided, single submitter. Criteria: ACMG Guidelines, 2015. Collection method: not provided. Allele origin: germline. Inheritance: Autosomal recessive inheritance. Affected: yes.

Literature cited by the submitters: PubMed 30362252 (cited by Athena Diagnostics).

NM_005529.7(HSPG2):c.337G>A (p.Glu113Lys)

Gene: HSPG2 (heparan sulfate proteoglycan 2; minus strand). Cytogenetic location: 1p36.12.
Variant type: single nucleotide variant.
Coding change: c.337G>A on transcript NM_005529.7 (MANE Select); coding-DNA position 337, G replaced by A.
Protein change: p.Glu113Lys; replaces glutamic acid 113 with lysine.
Molecular consequence: missense variant.
Genome position (GRCh38, 1-based): chr1:21,890,602, C>T on the plus strand (G>A on the coding strand, the complement: HSPG2 is on the minus strand). VCF-style: chr1-21890602-C-T. GRCh37 (hg19) VCF-style: chr1-22217095-C-T.
Other names: c.337G>A, p.Glu113Lys (NM_001291860.2); short protein forms E113K.
Identifiers: ClinVar variation 875052 (VCV000875052.21), dbSNP rs144511257, ClinGen allele CA673937.